The following is an entry in ClinVar:

NM_000179.3(MSH6):c.1714del (p.Gln572fs)

Gene: MSH6 (mutS homolog 6; plus strand). Cytogenetic location: 2p16.3.
Variant type: Deletion.
Coding change: c.1714del on transcript NM_000179.3 (MANE Select); coding-DNA position 1714, one base deleted (C; older notation c.1714delC).
Protein change: p.Gln572fs; shifts the reading frame from glutamine 572.
Molecular consequence: frameshift variant. On other transcripts: non-coding transcript variant (4), intron variant (2).
Genome position (GRCh38, 1-based): chr2:47,799,697, C deleted. VCF-style (leftmost placement, unchanged base first): chr2-47799696-TC-T. GRCh37 (hg19) VCF-style: chr2-48026835-TC-T.
Other names: c.1324del, p.Gln442fs (NM_001281492.2); c.808del, p.Gln270fs (NM_001281493.2, NM_001281494.2, NM_001406811.1 and 6 more transcripts); c.1810del, p.Gln604fs (NM_001406795.1, NM_001406802.1); c.1714del, p.Gln572fs (NM_001406796.1, NM_001406798.1, NM_001406800.1 and 3 more transcripts); c.1417del, p.Gln473fs (NM_001406797.1, NM_001406801.1, NM_001406805.1 and 10 more transcripts); c.1189del, p.Gln397fs (NM_001406799.1, NM_001406806.1, NM_001406807.1); c.1636del, p.Gln546fs (NM_001406804.1); c.1720del, p.Gln574fs (NM_001406813.1); and 3 more; short protein forms Q270fs, Q397fs, Q442fs, Q473fs, Q516fs, Q546fs, Q572fs, Q574fs.
Identifiers: ClinVar variation 4876078 (VCV004876078.1).

ClinVar aggregate classification (germline): Pathogenic (1 of 4 stars; one submission).

Conditions:
Lynch syndrome 5 (LYNCH5). Also called: Colorectal cancer, hereditary nonpolyposis, type 5; Hereditary non-polyposis colorectal cancer, type 5. Identifiers: Orphanet 144, MedGen C1833477, MONDO:0013710, OMIM 614350. Disease mechanism: loss of function.

Submission:

Myriad Genetics, Inc.
Classification: Pathogenic for Lynch syndrome 5. Last evaluated: 2026-06-02. Review status: criteria provided, single submitter. Criteria: Myriad Autosomal Dominant, Autosomal Recessive and X-Linked Classification Criteria (2023). Collection method: clinical testing. Allele origin: unknown.
Comment: This variant is considered pathogenic. This variant creates a frameshift predicted to result in premature protein truncation.